The following is an entry in ClinVar:

NM_182919.4(TICAM1):c.797A>G (p.Glu266Gly)

Gene: TICAM1 (TIR domain containing adaptor molecule 1; minus strand). Cytogenetic location: 19p13.3.
Variant type: single nucleotide variant.
Coding change: c.797A>G on transcript NM_182919.4 (MANE Select); coding-DNA position 797, A replaced by G.
Protein change: p.Glu266Gly; replaces glutamic acid 266 with glycine.
Molecular consequence: missense variant.
Genome position (GRCh38, 1-based): chr19:4,817,581, T>C on the plus strand (A>G on the coding strand, the complement: TICAM1 is on the minus strand). VCF-style: chr19-4817581-T-C. GRCh37 (hg19) VCF-style: chr19-4817593-T-C.
Other names: c.755A>G, p.Glu252Gly (NM_001385678.1); c.662A>G, p.Glu221Gly (NM_001385679.1); c.155A>G, p.Glu52Gly (NM_001385680.1); short protein forms E52G, E252G, E266G, E221G.
Identifiers: ClinVar variation 1411343 (VCV001411343.6), dbSNP rs1300806411, ClinGen allele CA403491584.

ClinVar aggregate classification (germline): Uncertain significance (1 of 4 stars; one submission).

Conditions:
Encephalopathy, acute, infection-induced (herpes-specific), susceptibility to, 6. Also called: Herpes simplex encephalitis, susceptibility to, 4. Identifiers: Orphanet 1930, MedGen C3553869, MONDO:0013921, OMIM 614850.

Submission:

Labcorp Genetics (formerly Invitae), Labcorp
Classification: Uncertain significance for Encephalopathy, acute, infection-induced (herpes-specific), susceptibility to, 6. Last evaluated: 2022-08-19. Review status: criteria provided, single submitter. Criteria: Invitae Variant Classification Sherloc (09022015). Collection method: clinical testing. Allele origin: germline.
Comment: In summary, the available evidence is currently insufficient to determine the role of this variant in disease. Therefore, it has been classified as a Variant of Uncertain Significance. Algorithms developed to predict the effect of missense changes on protein structure and function output the following: SIFT: "Tolerated"; PolyPhen-2: "Benign"; Align-GVGD: "Class C0". The glycine amino acid residue is found in multiple mammalian species, which suggests that this missense change does not adversely affect protein function. ClinVar contains an entry for this variant (Variation ID: 1411343). This variant has not been reported in the literature in individuals affected with TICAM1-related conditions. This variant is not present in population databases (gnomAD no frequency). This sequence change replaces glutamic acid, which is acidic and polar, with glycine, which is neutral and non-polar, at codon 266 of the TICAM1 protein (p.Glu266Gly).